The following is an entry in ClinVar:

ClinVar aggregate classification (germline): Benign (0 of 4 stars; one submission).

Conditions:
CNTNAP5-related disorder. Also called: CNTNAP5-related condition.

Allele frequency attached by ClinVar (database versions not stated): TOPMed 0.00010; gnomAD 0.00026; 1000 Genomes Project 30x 0.00109; ExAC 0.00122; 1000 Genomes Project 0.00140.
gnomAD v4.1: 704 of 1,613,874 alleles (0.044%); highest among the groups gnomAD compares: South Asian, 0.69%; 3 homozygotes.

Submission:

PreventionGenetics, part of Exact Sciences
Classification: Benign for CNTNAP5-related condition. Last evaluated: 2019-10-28. Review status: no assertion criteria provided. Collection method: clinical testing. Allele origin: germline.
Comment: This variant is classified as benign based on ACMG/AMP sequence variant interpretation guidelines (Richards et al. 2015 PMID: 25741868, with internal and published modifications).

NM_001367498.1(CNTNAP5):c.411C>T (p.Ser137=)

Gene: CNTNAP5 (contactin associated protein family member 5; plus strand). Cytogenetic location: 2q14.3.
Variant type: single nucleotide variant.
Coding change: c.411C>T on transcript NM_001367498.1 (MANE Select); coding-DNA position 411, C replaced by T.
Protein change: p.Ser137=; no amino-acid change (serine 137 retained).
Molecular consequence: synonymous variant.
Genome position (GRCh38, 1-based): chr2:124,417,472, C>T. VCF-style: chr2-124417472-C-T. GRCh37 (hg19) VCF-style: chr2-125175049-C-T.
Other names: c.411C>T, p.Ser137= (NM_130773.4).
Identifiers: ClinVar variation 3045076 (VCV003045076.2), dbSNP rs375524808, ClinGen allele CA1855565.
Genomic context (GRCh38, chr2:124,417,472, plus strand): 5'-GACCTCACTGCCTCTCCTTTCTTCTCTGCAGACCTTTGCAGGAAACATGAATGCTGACAG[C>T]GTGGTGCACCACAAGCTATTGCACTCAGTGAGAGCCCGATTTGTTCGCTTTGTGCCCCTG-3'
Protein context (NP_001354427.1, residues 127-147): WTFAGNMNAD[Ser137=]VVHHKLLHSV